The following is an entry in ClinVar:

NM_006514.4(SCN10A):c.2258C>G (p.Ser753Cys)

Gene: SCN10A (sodium voltage-gated channel alpha subunit 10; minus strand). Cytogenetic location: 3p22.2.
Variant type: single nucleotide variant.
Coding change: c.2258C>G on transcript NM_006514.4 (MANE Select); coding-DNA position 2258, C replaced by G.
Protein change: p.Ser753Cys; replaces serine 753 with cysteine.
Molecular consequence: missense variant.
Genome position (GRCh38, 1-based): chr3:38,739,537, G>C on the plus strand (C>G on the coding strand, the complement: SCN10A is on the minus strand). VCF-style: chr3-38739537-G-C. GRCh37 (hg19) VCF-style: chr3-38781028-G-C.
Other names: c.2258C>G, p.Ser753Cys (NM_001293306.2); c.1964C>G, p.Ser655Cys (NM_001293307.2); short protein forms S655C, S753C.
Identifiers: ClinVar variation 951965 (VCV000951965.6), dbSNP rs1319283606, ClinGen allele CA352164068.
Genomic context (GRCh38, chr3:38,739,537, plus strand): 5'-GTGGGAGTTTCCCCAAGCCATCAAGAGAAAAACATTACCAAGCGGAAGCTCCGCAGCACA[G>C]ACAGGCTTCCCTTCTTGGCCACGCCCAGCTCTAGCAGACTCACAGTGACGATGATGCAGT-3'
Protein context (NP_006505.4, residues 743-763): ELGVAKKGSL[Ser753Cys]VLRSFRLLRV

ClinVar aggregate classification (germline): Uncertain significance (1 of 4 stars; one submission).

Conditions:
Brugada syndrome. Also called: Sudden unexpected nocturnal death syndrome; Sudden unexplained nocturnal death syndrome; Sudden Unexplained Death Syndrome; Sudden Unexplained Nocturnal Death Syndrome (SUNDS). Identifiers: Orphanet 130, MedGen C1142166, MONDO:0015263.

Allele frequency attached by ClinVar (database versions not stated): gnomAD exomes 0.00001; gnomAD 0.00003.
gnomAD v4.1: 7 of 1,613,936 alleles (0.00043%); highest among the groups gnomAD compares: Non-Finnish European, 0.00059%; no homozygotes.

Submission:

Labcorp Genetics (formerly Invitae), Labcorp
Classification: Uncertain significance for Brugada syndrome. Last evaluated: 2022-07-06. Review status: criteria provided, single submitter. Criteria: Invitae Variant Classification Sherloc (09022015). Collection method: clinical testing. Allele origin: germline.
Comment: In summary, the available evidence is currently insufficient to determine the role of this variant in disease. Therefore, it has been classified as a Variant of Uncertain Significance. Algorithms developed to predict the effect of missense changes on protein structure and function (SIFT, PolyPhen-2, Align-GVGD) all suggest that this variant is likely to be disruptive. ClinVar contains an entry for this variant (Variation ID: 951965). This variant has not been reported in the literature in individuals affected with SCN10A-related conditions. This variant is present in population databases (no rsID available, gnomAD 0.04%). This sequence change replaces serine, which is neutral and polar, with cysteine, which is neutral and slightly polar, at codon 753 of the SCN10A protein (p.Ser753Cys).